The following is an entry in ClinVar:

NM_000440.3(PDE6A):c.1408-2A>G

Gene: PDE6A (phosphodiesterase 6A; minus strand). Cytogenetic location: 5q32.
Variant type: single nucleotide variant.
Coding change: c.1408-2A>G on transcript NM_000440.3 (MANE Select); the canonical splice acceptor site of the intron before coding-DNA position 1408, A replaced by G.
Molecular consequence: splice acceptor variant.
Genome position (GRCh38, 1-based): chr5:149,896,778, T>C on the plus strand (A>G on the coding strand, the complement: PDE6A is on the minus strand). VCF-style: chr5-149896778-T-C. GRCh37 (hg19) VCF-style: chr5-149276341-T-C.
Other names: IVS10AS, A-G, -2; c.1165-2A>G (NM_001410788.1).
Identifiers: ClinVar variation 225119 (VCV000225119.3), dbSNP rs1060499536, ClinGen allele CA16609339.
Genomic context (GRCh38, chr5:149,896,778, plus strand): 5'-TCAGCCAGCTCCTCTTCCTCACACTCCCATGGCTCCTTCCCATACACCTCTCTGGTTTTC[T>C]GCCAGGACCCAAAATGGCAGGGGAAAAAAAATAGGTTACAACATGCCTCCGCGTTTCCAT-3'

ClinVar aggregate classification (germline): Pathogenic. Review status: criteria provided, single submitter (1 of 4 stars). 2 submissions from 2 submitters: Pathogenic (1). 1 of the submissions does not count toward it. Last evaluated 2025-01-22.

Conditions:
Retinitis pigmentosa 43 (RP43). Identifiers: Orphanet 791, MedGen C3151139, MONDO:0013437, OMIM 613810.

Allele frequency attached by ClinVar (database versions not stated): gnomAD exomes below 0.00001 and 0.00001.
gnomAD v4.1: 10 of 1,614,162 alleles (0.00062%); highest among the groups gnomAD compares: South Asian, 0.011%; no homozygotes.

Submissions (2):

Labcorp Genetics (formerly Invitae), Labcorp
Classification: Pathogenic. Last evaluated: 2025-01-22. Review status: criteria provided, single submitter. Criteria: Invitae Variant Classification Sherloc (09022015). Collection method: clinical testing. Allele origin: germline.
Comment: This sequence change affects an acceptor splice site in intron 10 of the PDE6A gene. It is expected to disrupt RNA splicing. Variants that disrupt the donor or acceptor splice site typically lead to a loss of protein function (PMID: 16199547), and loss-of-function variants in PDE6A are known to be pathogenic (PMID: 7493036, 22128245, 23847139). This variant is present in population databases (no rsID available, gnomAD 0.003%). Disruption of this splice site has been observed in individual(s) with autosomal recessive retinitis pigmentosa (PMID: 17110911, 26321862). It has also been observed to segregate with disease in related individuals. ClinVar contains an entry for this variant (Variation ID: 225119). Algorithms developed to predict the effect of sequence changes on RNA splicing suggest that this variant may disrupt the consensus splice site. For these reasons, this variant has been classified as Pathogenic.

OMIM
Classification: Pathogenic for RETINITIS PIGMENTOSA 43. Last evaluated: 2016-04-07. Review status: no assertion criteria provided. Collection method: literature only. Allele origin: germline. Not counted in ClinVar's aggregate classification.

Literature cited by the submitters: PubMed 16199547 (cited by Labcorp Genetics (formerly Invitae), Labcorp); PubMed 7493036 (cited by Labcorp Genetics (formerly Invitae), Labcorp); PubMed 22128245 (cited by Labcorp Genetics (formerly Invitae), Labcorp); PubMed 23847139 (cited by Labcorp Genetics (formerly Invitae), Labcorp); PubMed 17110911 (cited by Labcorp Genetics (formerly Invitae), Labcorp and OMIM); PubMed 26321862 (cited by Labcorp Genetics (formerly Invitae), Labcorp and OMIM).